The following is an entry in ClinVar:

ClinVar aggregate classification (germline): Likely pathogenic (1 of 4 stars; one submission).

Conditions:
Leber congenital amaurosis 6 (LCA6). Identifiers: Orphanet 65, MedGen C1854260, MONDO:0013446, OMIM 613826.

Submission:

Ocular Genomics Institute, Massachusetts Eye and Ear
Classification: Likely pathogenic for Leber congenital amaurosis 6. Last evaluated: 2021-04-08. Review status: criteria provided, single submitter. Criteria: ACMG Guidelines, 2015. Collection method: research. Allele origin: germline. Affected: yes.
Comment: Through a review of available evidence we were able to apply the following criteria: PVS1, PM2. Based on this evidence we have classified this variant as Likely Pathogenic.

NM_020366.4(RPGRIP1):c.772G>T (p.Glu258Ter)

Gene: RPGRIP1 (RPGR interacting protein 1; plus strand). Cytogenetic location: 14q11.2.
Variant type: single nucleotide variant.
Coding change: c.772G>T on transcript NM_020366.4 (MANE Select); coding-DNA position 772, G replaced by T.
Protein change: p.Glu258Ter; replaces glutamic acid 258 with a stop codon.
Molecular consequence: nonsense.
Genome position (GRCh38, 1-based): chr14:21,303,515, G>T. VCF-style: chr14-21303515-G-T. GRCh37 (hg19) VCF-style: chr14-21771674-G-T.
Other names: short protein forms E258*.
Identifiers: ClinVar variation 1065822 (VCV001065822.1), dbSNP rs2139160690, ClinGen allele CA388860881.